The following is an entry in ClinVar:

NM_025114.4(CEP290):c.3G>A (p.Met1Ile)

Gene: CEP290 (centrosomal protein 290; minus strand). Cytogenetic location: 12q21.32.
Variant type: single nucleotide variant.
Coding change: c.3G>A on transcript NM_025114.4 (MANE Select); coding-DNA position 3, G replaced by A.
Protein change: p.Met1Ile; changes the start codon (methionine 1).
Molecular consequence: missense variant, initiator codon variant.
Genome position (GRCh38, 1-based): chr12:88,141,305, C>T on the plus strand (G>A on the coding strand, the complement: CEP290 is on the minus strand). VCF-style: chr12-88141305-C-T. GRCh37 (hg19) VCF-style: chr12-88535082-C-T.
Other names: c.3G>A (NM_025114.3); short protein forms M1I.
Identifiers: ClinVar variation 1458468 (VCV001458468.9), dbSNP rs773525033, ClinGen allele CA6712932.

ClinVar aggregate classification (germline): Pathogenic/Likely pathogenic. Review status: criteria provided, multiple submitters, no conflicts (2 of 4 stars). 3 submissions from 3 submitters: Pathogenic (1); Likely pathogenic (2). Last evaluated 2026-01-23.

Conditions:
Joubert syndrome 5 (JBTS5). Identifiers: Orphanet 2318, MedGen C1857780, MONDO:0012432, OMIM 610188.
Leber congenital amaurosis 10 (LCA10). Identifiers: Orphanet 65, MedGen C1857821, MONDO:0012723, OMIM 611755.
Senior-Loken syndrome 6 (SLSN6). Identifiers: Orphanet 3156, MedGen C1857779, MONDO:0012433, OMIM 610189.
Bardet-Biedl syndrome 14 (BBS14). Identifiers: Orphanet 110, MedGen C2673874, MONDO:0014442, OMIM 615991.
Meckel syndrome, type 4 (MKS4). Also called: MECKEL-GRUBER SYNDROME, TYPE 4. Identifiers: Orphanet 564, MedGen C1970161, MONDO:0012626, OMIM 611134.
Leber congenital amaurosis (LCA). Also called: Leber's amaurosis. Identifiers: Orphanet 65, MedGen C0339527, MeSH D057130, MONDO:0018998.
Nephronophthisis. Also called: Juvenile Nephronophthisis. Identifiers: Orphanet 655, MedGen C0687120, MONDO:0019005, HP:0000090.
Meckel-Gruber syndrome. Also called: DYSENCEPHALIA SPLANCHNOCYSTICA; GRUBER SYNDROME; Dysencephalia splachnocystica. Identifiers: Orphanet 564, MedGen C0265215, MONDO:0018921.
Joubert syndrome. Also called: CEREBELLOPARENCHYMAL DISORDER IV; JOUBERT-BOLTSHAUSER SYNDROME; Familial aplasia of the vermis. Identifiers: Orphanet 475, MedGen C5979921, MONDO:0018772.

Allele frequency attached by ClinVar (database versions not stated): ExAC 0.00001; gnomAD exomes 0.00001.

Submissions (3):

Natera, Inc.
Classification: Likely pathogenic for Leber congenital amaurosis. Last evaluated: 2026-01-23. Review status: criteria provided, single submitter. Criteria: Natera Variant Classification Schema (03/2026). Collection method: clinical testing. Allele origin: germline.
Comment: The c.3G>A variant in CEP290 is predicted to result in start loss due to disruption of the initiator methionine. This variant is expected to result in nonsense mediated decay, truncation, or a dysfunctional protein product. This variant is rare in the general population with a frequency below the threshold expected for the associated phenotype(s). Given the available evidence, this variant is classified as Likely Pathogenic.

Fulgent Genetics
Classification: Likely pathogenic for Joubert syndrome 5; Senior-Loken syndrome 6; Meckel syndrome, type 4; Leber congenital amaurosis 10; Bardet-Biedl syndrome 14. Last evaluated: 2024-06-16. Review status: criteria provided, single submitter. Criteria: ACMG Guidelines, 2015. Collection method: clinical testing. Allele origin: germline.

Labcorp Genetics (formerly Invitae), Labcorp
Classification: Pathogenic for Joubert syndrome; Meckel-Gruber syndrome; Nephronophthisis. Last evaluated: 2023-03-10. Review status: criteria provided, single submitter. Criteria: Invitae Variant Classification Sherloc (09022015). Collection method: clinical testing. Allele origin: germline.
Comment: For these reasons, this variant has been classified as Pathogenic. This variant disrupts a region of the CEP290 protein in which other variant(s) (p.Trp7Cys) have been determined to be pathogenic (PMID: 16682970, 27422788). This suggests that this is a clinically significant region of the protein, and that variants that disrupt it are likely to be disease-causing. ClinVar contains an entry for this variant (Variation ID: 1458468). Disruption of the initiator codon has been observed in individuals with Leber congenital amaurosis and/or Senior-Løken syndrome (PMID: 17345604, 21866095). This variant is present in population databases (rs773525033, gnomAD 0.007%). This sequence change affects the initiator methionine of the CEP290 mRNA. The next in-frame methionine is located at codon 11.

Literature cited by the submitters: PubMed 16682970 (cited by Labcorp Genetics (formerly Invitae), Labcorp); PubMed 27422788 (cited by Labcorp Genetics (formerly Invitae), Labcorp); PubMed 17345604 (cited by Labcorp Genetics (formerly Invitae), Labcorp); PubMed 21866095 (cited by Labcorp Genetics (formerly Invitae), Labcorp).